The following is an entry in ClinVar:

ClinVar aggregate classification (germline): Likely benign (1 of 4 stars; one submission).

Allele frequency attached by ClinVar (database versions not stated): gnomAD 0.00121; ExAC 0.01147.
gnomAD v4.1: 4,407 of 1,449,496 alleles (0.3%); highest among the groups gnomAD compares: Middle Eastern, 1.4%; 1,671 homozygotes.

Submission:

CeGaT Center for Human Genetics Tuebingen
Classification: Likely benign. Last evaluated: 2023-08-01. Review status: criteria provided, single submitter. Criteria: CeGaT Center For Human Genetics Tuebingen Variant Classification Criteria Version 2. Collection method: clinical testing. Allele origin: germline. Affected: yes. Observed: 2 variant alleles.
Comment: MUC4: BS2

NM_018406.7(MUC4):c.10115G>A (p.Gly3372Asp)

Gene: MUC4 (mucin 4, cell surface associated). Cytogenetic location: 3q29.
Variant type: single nucleotide variant.
Coding change: c.10115G>A on transcript NM_018406.7 (MANE Select); coding-DNA position 10115, G replaced by A.
Protein change: p.Gly3372Asp; replaces glycine 3372 with aspartic acid.
Molecular consequence: missense variant. On other transcripts: genic upstream transcript variant (2).
Genome position (GRCh38, 1-based): chr3:195,781,465, C>T on the plus strand (G>A on the coding strand, the complement: MUC4 is on the minus strand). VCF-style: chr3-195781465-C-T. GRCh37 (hg19) VCF-style: chr3-195508336-C-T.
Other names: c.14885G>A, p.Gly4962Asp (NM_001322468.1); c.83-7160G>A (NM_138297.5); c.83-3010G>A (NM_004532.6); short protein forms G3372D, G4962D.
Identifiers: ClinVar variation 2654432 (VCV002654432.24), dbSNP rs200518413, ClinGen allele CA2770456.